The following is an entry in ClinVar:

ClinVar aggregate classification (germline): Uncertain significance (1 of 4 stars; one submission).

Conditions:
RET-related disorder. Also called: RET-related condition; RET-related disease; RET-related disorders.

Submission:

PreventionGenetics, part of Exact Sciences
Classification: Uncertain significance for RET-related condition. Last evaluated: 2026-07-08. Review status: criteria provided, single submitter. Criteria: ACMG Guidelines, 2015. Collection method: clinical testing. Allele origin: germline.
Comment: The RET c.1531G>C variant is predicted to result in the amino acid substitution p.Glu511Gln. To our knowledge, this variant has not been reported in the literature or in a large population database (gnomAD), indicating it is rare. At the time of reporting it was not present in ClinVar. At this time, the clinical significance of this variant is uncertain due to the absence of conclusive functional and genetic evidence.

NM_020975.6(RET):c.1531G>C (p.Glu511Gln)

Gene: RET (ret proto-oncogene; plus strand). Cytogenetic location: 10q11.21.
Variant type: single nucleotide variant.
Coding change: c.1531G>C on transcript NM_020975.6 (MANE Select); coding-DNA position 1531, G replaced by C.
Protein change: p.Glu511Gln; replaces glutamic acid 511 with glutamine.
Molecular consequence: missense variant.
Genome position (GRCh38, 1-based): chr10:43,112,107, G>C. VCF-style: chr10-43112107-G-C. GRCh37 (hg19) VCF-style: chr10-43607555-G-C.
Other names: c.769G>C, p.Glu257Gln (NM_001355216.2); c.1531G>C, p.Glu511Gln (NM_001406743.1, NM_001406744.1, NM_001406759.1 and 4 more transcripts); c.1402G>C, p.Glu468Gln (NM_001406761.1, NM_001406762.1, NM_001406764.1 and 1 more transcripts); c.1243G>C, p.Glu415Gln (NM_001406766.1, NM_001406767.1, NM_001406770.1); c.1135G>C, p.Glu379Gln (NM_001406769.1, NM_001406772.1); c.1093G>C, p.Glu365Gln (NM_001406771.1, NM_001406773.1); c.1006G>C, p.Glu336Gln (NM_001406774.1); c.805G>C, p.Glu269Gln (NM_001406775.1, NM_001406776.1, NM_001406777.1 and 1 more transcripts); and 5 more; short protein forms E212Q, E269Q, E28Q, E169Q, E336Q, E379Q, E468Q, E511Q.
Identifiers: ClinVar variation 4991687 (VCV004991687.1).
Genomic context (GRCh38, chr10:43,112,107, plus strand): 5'-GACGCTGGGCCCAGGCCAGCCCCCTGTGACCCTGCTTGTCTGCCACCTGCAGATGTGGCC[G>C]AGGAGGCGGGCTGCCCCCTGTCCTGTGCAGTCAGCAAGAGACGGCTGGAGTGTGAGGAGT-3'
Protein context (NP_066124.1, residues 501-521): LVTVEGSYVA[Glu511Gln]EAGCPLSCAV